The following is an entry in ClinVar:

ClinVar aggregate classification (germline): Conflicting classifications of pathogenicity. Review status: criteria provided, conflicting classifications (1 of 4 stars). 2 submissions from 2 submitters: Uncertain significance (1); Likely benign (1). Last evaluated 2024-03-05.

Allele frequency attached by ClinVar (database versions not stated): gnomAD 0.00001; gnomAD exomes 0.00001 and 0.00003; TOPMed 0.00001; ExAC 0.00003.
gnomAD v4.1: 12 of 1,565,432 alleles (0.00077%); highest among the groups gnomAD compares: East Asian, 0.025%; no homozygotes.

Submissions (2):

Labcorp Genetics (formerly Invitae), Labcorp
Classification: Likely benign. Last evaluated: 2024-03-05. Review status: criteria provided, single submitter. Criteria: Invitae Variant Classification Sherloc (09022015). Collection method: clinical testing. Allele origin: germline.

GeneDx
Classification: Uncertain significance. Last evaluated: 2021-04-06. Review status: criteria provided, single submitter. Criteria: GeneDx Variant Classification Process June 2021. Collection method: clinical testing. Allele origin: germline. Affected: yes.
Comment: Has not been previously published as pathogenic or benign to our knowledge; In-silico analysis is inconclusive as to whether the variant alters gene splicing. In the absence of RNA/functional studies, the actual effect of this sequence change is unknown.

NM_003672.4(CDC14A):c.1245A>T (p.Ala415=)

Gene: CDC14A (cell division cycle 14A; plus strand). Cytogenetic location: 1p21.2.
Variant type: single nucleotide variant.
Coding change: c.1245A>T on transcript NM_003672.4 (MANE Select); coding-DNA position 1245, A replaced by T.
Protein change: p.Ala415=; no amino-acid change (alanine 415 retained).
Molecular consequence: synonymous variant.
Genome position (GRCh38, 1-based): chr1:100,494,925, A>T. VCF-style: chr1-100494925-A-T. GRCh37 (hg19) VCF-style: chr1-100960481-A-T.
Other names: c.1245A>T, p.Ala415= (NM_001319210.2, NM_033312.3); c.1071A>T, p.Ala357= (NM_001319211.2); c.366A>T, p.Ala122= (NM_001319212.2).
Identifiers: ClinVar variation 1300914 (VCV001300914.4), dbSNP rs771516972, ClinGen allele CA970813.